The following is an entry in ClinVar:

ClinVar aggregate classification (germline): Uncertain significance. Review status: reviewed by expert panel (3 of 4 stars). 3 submissions from 3 submitters: Uncertain significance (1). 2 of the submissions do not count toward it. Last evaluated 2025-05-02.

Conditions:
Inborn genetic diseases. Identifiers: MedGen C0950123, MeSH D030342.
Hereditary thrombocytopenia and hematological cancer predisposition syndrome associated with RUNX1. Also called: RUNX1 Familial Platelet Disorder with Associated Myeloid Malignancies; Familial Platelet Disorder with Propensity to Acute Myelogenous Leukemia; Familial thrombocytopenia with propensity to acute myelogenous leukemia; PLATELET DISORDER, ASPIRIN-LIKE. Identifiers: Orphanet 71290, MedGen C1832388, MeSH C563324, MONDO:0100083, OMIM 601399.

Submissions (3):

ClinGen Myeloid Malignancy Variant Curation Expert Panel
Classification: Uncertain significance for Hereditary thrombocytopenia and hematological cancer predisposition syndrome associated with RUNX1. Last evaluated: 2025-05-02. Review status: reviewed by expert panel. Criteria: ClinGen MyeloMalig ACMG Specifications v2. Collection method: curation. Allele origin: germline. Inheritance: Autosomal dominant inheritance.
Comment: NM_001754.5(RUNX1):c.1336C>G (p.Leu446Val) is a missense variant. This missense variant has a REVEL score &< 0.50 (0.294) (BP4) This variant is completely absent from all population databases with at least 20x coverage for RUNX1 (PM2_supporting). In summary, the clinical significance of this variant is uncertain. ACMG/AMP criteria applied, as specified by the Myeloid Malignancy Variant Curation Expert Panel for RUNX1: PM2_supporting, BP4.

Ambry Genetics
Classification: Uncertain significance for Inborn genetic diseases. Last evaluated: 2025-05-02. Review status: criteria provided, single submitter. Criteria: Ambry Variant Classification Scheme 2023. Collection method: clinical testing. Allele origin: germline. Not counted in ClinVar's aggregate classification.
Comment: The p.L446V variant (also known as c.1336C>G), located in coding exon 8 of the RUNX1 gene, results from a C to G substitution at nucleotide position 1336. The leucine at codon 446 is replaced by valine, an amino acid with highly similar properties. This amino acid position is conserved. In addition, this alteration is predicted to be tolerated by in silico analysis. Based on the available evidence, the clinical significance of this variant remains unclear.

Labcorp Genetics (formerly Invitae), Labcorp
Classification: Uncertain significance for Hereditary thrombocytopenia and hematological cancer predisposition syndrome associated with RUNX1. Last evaluated: 2022-10-13. Review status: criteria provided, single submitter. Criteria: Invitae Variant Classification Sherloc (09022015). Collection method: clinical testing. Allele origin: germline. Not counted in ClinVar's aggregate classification.
Comment: In summary, the available evidence is currently insufficient to determine the role of this variant in disease. Therefore, it has been classified as a Variant of Uncertain Significance. Advanced modeling of protein sequence and biophysical properties (such as structural, functional, and spatial information, amino acid conservation, physicochemical variation, residue mobility, and thermodynamic stability) performed at Invitae indicates that this missense variant is not expected to disrupt RUNX1 protein function. This sequence change replaces leucine, which is neutral and non-polar, with valine, which is neutral and non-polar, at codon 446 of the RUNX1 protein (p.Leu446Val). This variant is not present in population databases (gnomAD no frequency). This variant has not been reported in the literature in individuals affected with RUNX1-related conditions. ClinVar contains an entry for this variant (Variation ID: 1465820).

NM_001754.5(RUNX1):c.1336C>G (p.Leu446Val)

Gene: RUNX1 (RUNX family transcription factor 1; minus strand). Cytogenetic location: 21q22.12.
Variant type: single nucleotide variant.
Coding change: c.1336C>G on transcript NM_001754.5 (MANE Select); coding-DNA position 1336, C replaced by G.
Protein change: p.Leu446Val; replaces leucine 446 with valine.
Molecular consequence: missense variant.
Genome position (GRCh38, 1-based): chr21:34,792,242, G>C on the plus strand (C>G on the coding strand, the complement: RUNX1 is on the minus strand). VCF-style: chr21-34792242-G-C. GRCh37 (hg19) VCF-style: chr21-36164539-G-C.
Other names: NM_001754.5(RUNX1):c.1336C>G; p.Leu446Val; c.1336C>G (NM_001754.4); c.1255C>G, p.Leu419Val (NM_001001890.3); short protein forms L419V, L446V.
Identifiers: ClinVar variation 1465820 (VCV001465820.11), dbSNP rs2145873182, ClinGen allele CA410147293.